The following is an entry in ClinVar:

ClinVar aggregate classification (germline): Conflicting classifications of pathogenicity. Review status: criteria provided, conflicting classifications (1 of 4 stars). 2 submissions from 2 submitters: Uncertain significance (1); Likely benign (1). Last evaluated 2025-11-20.

Conditions:
Cardiovascular phenotype. Identifiers: MedGen CN230736.
Duchenne muscular dystrophy (DMD). Also called: Duchenne Muscular Dystrophy (DMD); MUSCULAR DYSTROPHY, PSEUDOHYPERTROPHIC PROGRESSIVE, DUCHENNE TYPE. Identifiers: Orphanet 98896, MedGen C0013264, MONDO:0010679, OMIM 310200.

Allele frequency attached by ClinVar (database versions not stated): ExAC 0.00001; gnomAD exomes 0.00001 and 0.00006.

Submissions (2):

Ambry Genetics
Classification: Uncertain significance for Cardiovascular phenotype. Last evaluated: 2025-11-20. Review status: criteria provided, single submitter. Criteria: Ambry Variant Classification Scheme 2023. Collection method: clinical testing. Allele origin: germline.
Comment: The p.M387T variant (also known as c.1160T>C), located in coding exon 11 of the DMD gene, results from a T to C substitution at nucleotide position 1160. The methionine at codon 387 is replaced by threonine, an amino acid with similar properties. This amino acid position is well conserved in available vertebrate species. In addition, the in silico prediction for this alteration is inconclusive. Based on data from gnomAD, the C allele has an overall frequency of <0.01% (2/182871) total alleles studied, with 2 hemizygote(s) observed. The highest observed frequency was <0.01% (2/81549) of European (non-Finnish) alleles. Based on the available evidence, the clinical significance of this variant remains unclear.

Labcorp Genetics (formerly Invitae), Labcorp
Classification: Likely benign for Duchenne muscular dystrophy. Last evaluated: 2025-05-13. Review status: criteria provided, single submitter. Criteria: Invitae Variant Classification Sherloc (09022015). Collection method: clinical testing. Allele origin: germline.

NM_004006.3(DMD):c.1160T>C (p.Met387Thr)

Gene: DMD (dystrophin; minus strand). Cytogenetic location: Xp21.1.
Variant type: single nucleotide variant.
Coding change: c.1160T>C on transcript NM_004006.3 (MANE Select); coding-DNA position 1160, T replaced by C.
Protein change: p.Met387Thr; replaces methionine 387 with threonine.
Molecular consequence: missense variant.
Genome position (GRCh38, 1-based): chrX:32,644,303, A>G on the plus strand (T>C on the coding strand, the complement: DMD is on the minus strand). VCF-style: chrX-32644303-A-G. GRCh37 (hg19) VCF-style: chrX-32662420-A-G.
Other names: c.1160T>C (NM_004006.2); c.1136T>C, p.Met379Thr (NM_000109.4); c.1148T>C, p.Met383Thr (NM_004009.3); c.791T>C, p.Met264Thr (NM_004010.3); short protein forms M264T, M379T, M383T, M387T.
Identifiers: ClinVar variation 1131828 (VCV001131828.10), dbSNP rs746169492, ClinGen allele CA10379950.